The following is an entry in ClinVar:

ClinVar aggregate classification (germline): Uncertain significance (1 of 4 stars; one submission).

Conditions:
Cardiovascular phenotype. Identifiers: MedGen CN230736.

Submission:

Ambry Genetics
Classification: Uncertain significance for Cardiovascular phenotype. Last evaluated: 2023-10-12. Review status: criteria provided, single submitter. Criteria: Ambry Variant Classification Scheme 2023. Collection method: clinical testing. Allele origin: germline.
Comment: The p.L1100P variant (also known as c.3299T>C), located in coding exon 6 of the ALPK3 gene, results from a T to C substitution at nucleotide position 3299. The leucine at codon 1100 is replaced by proline, an amino acid with similar properties. This amino acid position is conserved. In addition, this alteration is predicted to be tolerated by in silico analysis. Since supporting evidence is limited at this time, the clinical significance of this alteration remains unclear.

NM_020778.5(ALPK3):c.2693T>C (p.Leu898Pro)

Gene: ALPK3 (alpha kinase 3; plus strand). Cytogenetic location: 15q25.3.
Variant type: single nucleotide variant.
Coding change: c.2693T>C on transcript NM_020778.5 (MANE Select); coding-DNA position 2693, T replaced by C.
Protein change: p.Leu898Pro; replaces leucine 898 with proline.
Molecular consequence: missense variant.
Genome position (GRCh38, 1-based): chr15:84,857,431, T>C. VCF-style: chr15-84857431-T-C. GRCh37 (hg19) VCF-style: chr15-85400662-T-C.
Other names: short protein forms L898P.
Identifiers: ClinVar variation 3227466 (VCV003227466.1), dbSNP rs2505720611, ClinGen allele CA393358051.